The following is an entry in ClinVar:

NM_000064.4(C3):c.4411C>T (p.Leu1471Phe)

Gene: C3 (complement C3; minus strand). Cytogenetic location: 19p13.3.
Variant type: single nucleotide variant.
Coding change: c.4411C>T on transcript NM_000064.4 (MANE Select); coding-DNA position 4411, C replaced by T.
Protein change: p.Leu1471Phe; replaces leucine 1471 with phenylalanine.
Molecular consequence: missense variant.
Genome position (GRCh38, 1-based): chr19:6,680,203, G>A on the plus strand (C>T on the coding strand, the complement: C3 is on the minus strand). VCF-style: chr19-6680203-G-A. GRCh37 (hg19) VCF-style: chr19-6680214-G-A.
Other names: short protein forms L1471F.
Identifiers: ClinVar variation 1435199 (VCV001435199.8), dbSNP rs1917824651, ClinGen allele CA403613371.

ClinVar aggregate classification (germline): Uncertain significance (1 of 4 stars; one submission).

Allele frequency attached by ClinVar (database versions not stated): gnomAD 0.00001; gnomAD exomes 0.00001; TOPMed 0.00001.
gnomAD v4.1: 16 of 1,613,430 alleles (0.00099%); highest among the groups gnomAD compares: South Asian, 0.0011%; no homozygotes.

Submission:

Labcorp Genetics (formerly Invitae), Labcorp
Classification: Uncertain significance. Last evaluated: 2022-02-10. Review status: criteria provided, single submitter. Criteria: Invitae Variant Classification Sherloc (09022015). Collection method: clinical testing. Allele origin: germline.
Comment: In summary, the available evidence is currently insufficient to determine the role of this variant in disease. Therefore, it has been classified as a Variant of Uncertain Significance. Algorithms developed to predict the effect of missense changes on protein structure and function are either unavailable or do not agree on the potential impact of this missense change (SIFT: "Tolerated"; PolyPhen-2: "Possibly Damaging"; Align-GVGD: "Class C0"). This variant has not been reported in the literature in individuals affected with C3-related conditions. This variant is not present in population databases (gnomAD no frequency). This sequence change replaces leucine, which is neutral and non-polar, with phenylalanine, which is neutral and non-polar, at codon 1471 of the C3 protein (p.Leu1471Phe).